The following is an entry in ClinVar:

ClinVar aggregate classification (germline): Benign/Likely benign. Review status: criteria provided, multiple submitters, no conflicts (2 of 4 stars). 3 submissions from 2 submitters: Benign (1); Likely benign (1). 1 of the submissions does not count toward it. Last evaluated 2016-03-28.

Submissions (3):

Laboratory for Molecular Medicine, Mass General Brigham Personalized Medicine
Classification: Likely benign. Last evaluated: 2016-03-28. Review status: criteria provided, single submitter. Criteria: LMM Criteria. Collection method: clinical testing. Allele origin: germline.
Comment: Variant identified in a genome or exome case(s) and assessed due to predicted null impact of the variant or pathogenic assertions in the literature or databases. Disclaimer: This variant has not undergone full assessment. The following are preliminary notes: Outside ROI, common in our data set

GeneDx
Classification: Benign. Last evaluated: 2015-03-03. Review status: criteria provided, single submitter. Criteria: GeneDx Variant Classification Process June 2021. Collection method: clinical testing. Allele origin: germline. Affected: yes.

GeneDx
Classification: Benign. Last evaluated: 2017-11-12. Review status: flagged submission. Criteria: GeneDx Variant Classification (06012015). Collection method: clinical testing. Allele origin: germline. Affected: yes. Not counted in ClinVar's aggregate classification.
Comment: This variant is considered likely benign or benign based on one or more of the following criteria: it is a conservative change, it occurs at a poorly conserved position in the protein, it is predicted to be benign by multiple in silico algorithms, and/or has population frequency not consistent with disease.
ClinVar note: Reason: This record appears to be redundant with a more recent record from the same submitter.
ClinVar note: Notes: SCV000581688 appears to be redundant with SCV001895957.

NM_022124.6(CDH23):c.-45AGGCG[2]

Gene: CDH23 (cadherin related 23; plus strand). Cytogenetic location: 10q22.1.
Variant type: Microsatellite.
Coding change: c.-45AGGCG[2] on transcript NM_022124.6 (MANE Select); two copies in a row of the 5-base unit AGGCG starting at c.-45; the reference has three copies in a row; one copy, 5 bases deleted.
Molecular consequence: 5 prime UTR variant.
Genome position (GRCh38, 1-based): chr10:71,397,289-71,397,293, AGGCG deleted; deleting any 5 consecutive bases within chr10:71,397,277-71,397,293 gives the same sequence; the position shown is the placement nearest the transcript's 3' end. VCF-style (leftmost placement, unchanged base first): chr10-71397276-CCGAGG-C. GRCh37 (hg19) VCF-style: chr10-73157033-CCGAGG-C.
Other names: c.-45AGGCG[2] (NM_001171930.2, NM_001171931.2, NM_001171932.2 and 1 more transcripts).
Identifiers: ClinVar variation 300395 (VCV000300395.9), dbSNP rs71012280, ClinGen allele CA5543255.